The following is an entry in ClinVar:

NM_024649.5(BBS1):c.1110+30_1110+33del

Genes: BBS1 (Bardet-Biedl syndrome 1; plus strand), ZDHHC24 (zDHHC palmitoyltransferase 24; minus strand). Cytogenetic location: 11q13.2.
Variant type: Microsatellite.
Coding change: c.1110+30_1110+33del on transcript NM_024649.5 (MANE Select); bases 30 to 33 of the intron after coding-DNA position 1110, 4 bases deleted (ACTC; older notation c.1110+30_1110+33delACTC).
Molecular consequence: intron variant.
Genome position (GRCh38, 1-based): chr11:66,523,912-66,523,915, ACTC deleted; deleting any 4 consecutive bases within chr11:66,523,907-66,523,915 gives the same sequence; the c. name uses the placement nearest the transcript's 3' end. VCF-style (leftmost placement, unchanged base first): chr11-66523906-CCACT-C. GRCh37 (hg19) VCF-style: chr11-66291377-CCACT-C.
Other names: c.*22-2444_*22-2441del (NM_001348571.2).
Identifiers: ClinVar variation 3248569 (VCV003248569.2), dbSNP rs752791584.

ClinVar aggregate classification (germline): Conflicting classifications of pathogenicity. Review status: criteria provided, conflicting classifications (1 of 4 stars). 2 submissions from 2 submitters: Uncertain significance (1); Likely benign (1). Last evaluated 2026-07-01.

Conditions:
Bardet-Biedl syndrome 1 (BBS1). Identifiers: MedGen C2936862, MONDO:0008854, OMIM 209900. Disease mechanism: loss of function.

Submissions (2):

CeGaT Center for Human Genetics Tuebingen
Classification: Likely benign. Last evaluated: 2026-07-01. Review status: criteria provided, single submitter. Criteria: CeGaT Center For Human Genetics Tuebingen Variant Classification Criteria Version 2. Collection method: clinical testing. Allele origin: germline. Affected: yes. Observed: 1 variant allele.
Comment: BBS1: BS2

DNA-diagnostics Laboratory, Research Centre For Medical Genetics
Classification: Uncertain significance for Bardet-Biedl syndrome 1. Review status: criteria provided, single submitter. Criteria: ACMG Guidelines, 2015. Collection method: clinical testing. Allele origin: germline. Affected: yes.